The following is an entry in ClinVar:

ClinVar aggregate classification (germline): Uncertain significance (1 of 4 stars; one submission).

Conditions:
Neurodevelopmental disorder with or without hyperkinetic movements and seizures, autosomal dominant. Also called: Intellectual disability, autosomal dominant 8. Identifiers: MedGen C3280282, MONDO:0013655, OMIM 614254.

Submission:

Labcorp Genetics (formerly Invitae), Labcorp
Classification: Uncertain significance for Neurodevelopmental disorder with or without hyperkinetic movements and seizures, autosomal dominant. Last evaluated: 2023-12-19. Review status: criteria provided, single submitter. Criteria: Invitae Variant Classification Sherloc (09022015). Collection method: clinical testing. Allele origin: germline.
Comment: This sequence change replaces histidine, which is basic and polar, with glutamine, which is neutral and polar, at codon 67 of the GRIN1 protein (p.His67Gln). This variant is not present in population databases (gnomAD no frequency). This variant has not been reported in the literature in individuals affected with GRIN1-related conditions. Advanced modeling of protein sequence and biophysical properties (such as structural, functional, and spatial information, amino acid conservation, physicochemical variation, residue mobility, and thermodynamic stability) has been performed at Invitae for this missense variant, however the output from this modeling did not meet the statistical confidence thresholds required to predict the impact of this variant on GRIN1 protein function. In summary, the available evidence is currently insufficient to determine the role of this variant in disease. Therefore, it has been classified as a Variant of Uncertain Significance.

NM_007327.4(GRIN1):c.201C>G (p.His67Gln)

Gene: GRIN1 (glutamate ionotropic receptor NMDA type subunit 1; plus strand). Cytogenetic location: 9q34.3.
Variant type: single nucleotide variant.
Coding change: c.201C>G on transcript NM_007327.4 (MANE Select); coding-DNA position 201, C replaced by G.
Protein change: p.His67Gln; replaces histidine 67 with glutamine.
Molecular consequence: missense variant.
Genome position (GRCh38, 1-based): chr9:137,139,687, C>G. VCF-style: chr9-137139687-C-G. GRCh37 (hg19) VCF-style: chr9-140034139-C-G.
Other names: c.201C>G, p.His67Gln (NM_000832.7, NM_001185090.2, NM_001185091.2 and 1 more transcripts); short protein forms H67Q.
Identifiers: ClinVar variation 2700492 (VCV002700492.3), dbSNP rs2538508368, ClinGen allele CA375713364.